The following is an entry in ClinVar:

NM_198253.3(TERT):c.2564C>A (p.Ala855Glu)

Gene: TERT (telomerase reverse transcriptase; minus strand). Cytogenetic location: 5p15.33.
Variant type: single nucleotide variant.
Coding change: c.2564C>A on transcript NM_198253.3 (MANE Select); coding-DNA position 2564, C replaced by A.
Protein change: p.Ala855Glu; replaces alanine 855 with glutamic acid.
Molecular consequence: missense variant. On other transcripts: non-coding transcript variant (2).
Genome position (GRCh38, 1-based): chr5:1,268,538, G>T on the plus strand (C>A on the coding strand, the complement: TERT is on the minus strand). VCF-style: chr5-1268538-G-T. GRCh37 (hg19) VCF-style: chr5-1268653-G-T.
Other names: c.2564C>A, p.Ala855Glu (NM_001193376.3, NM_003219.1); short protein forms A855E.
Identifiers: ClinVar variation 2925046 (VCV002925046.3), dbSNP rs775014633, ClinGen allele CA359074267.

ClinVar aggregate classification (germline): Uncertain significance (1 of 4 stars; one submission).

Conditions:
Dyskeratosis congenita, autosomal dominant 2. Identifiers: MedGen C3151443, MONDO:0013521, OMIM 613989.
Idiopathic Pulmonary Fibrosis. Also called: Idiopathic fibrosing alveolitis, chronic form; idiopathic fibrosing alveolitis. Identifiers: Orphanet 2032, MedGen C1800706, MeSH D054990, MONDO:0800504.

gnomAD v4.1: 2 of 1,613,484 alleles (0.00012%); highest among the groups gnomAD compares: Non-Finnish European, 0.00017%; no homozygotes.

Submission:

Labcorp Genetics (formerly Invitae), Labcorp
Classification: Uncertain significance for Dyskeratosis congenita, autosomal dominant 2; Idiopathic Pulmonary Fibrosis. Last evaluated: 2023-01-28. Review status: criteria provided, single submitter. Criteria: Invitae Variant Classification Sherloc (09022015). Collection method: clinical testing. Allele origin: germline.
Comment: This variant is present in population databases (no rsID available, gnomAD 0.0009%). This sequence change replaces alanine, which is neutral and non-polar, with glutamic acid, which is acidic and polar, at codon 855 of the TERT protein (p.Ala855Glu). This variant has not been reported in the literature in individuals affected with TERT-related conditions. Advanced modeling of protein sequence and biophysical properties (such as structural, functional, and spatial information, amino acid conservation, physicochemical variation, residue mobility, and thermodynamic stability) has been performed at Invitae for this missense variant, however the output from this modeling did not meet the statistical confidence thresholds required to predict the impact of this variant on TERT protein function. In summary, the available evidence is currently insufficient to determine the role of this variant in disease. Therefore, it has been classified as a Variant of Uncertain Significance.